The following is an entry in ClinVar:

NM_005445.4(SMC3):c.913T>G (p.Leu305Val)

Gene: SMC3 (structural maintenance of chromosomes 3; plus strand). Cytogenetic location: 10q25.2.
Variant type: single nucleotide variant.
Coding change: c.913T>G on transcript NM_005445.4 (MANE Select); coding-DNA position 913, T replaced by G.
Protein change: p.Leu305Val; replaces leucine 305 with valine.
Molecular consequence: missense variant.
Genome position (GRCh38, 1-based): chr10:110,583,492, T>G. VCF-style: chr10-110583492-T-G. GRCh37 (hg19) VCF-style: chr10-112343250-T-G.
Other names: short protein forms L305V.
Identifiers: ClinVar variation 1935235 (VCV001935235.5), dbSNP rs1349857900, ClinGen allele CA378379391.

ClinVar aggregate classification (germline): Uncertain significance (1 of 4 stars; one submission).

Conditions:
Cornelia de Lange syndrome 3 (CDLS3). Also called: SMC3-Related Cornelia de Lange Syndrome; CORNELIA DE LANGE SYNDROME 3 WITH OR WITHOUT MIDLINE BRAIN DEFECTS. Identifiers: Orphanet 199, MedGen C1853099, MONDO:0012555, OMIM 610759.

Submission:

Labcorp Genetics (formerly Invitae), Labcorp
Classification: Uncertain significance for Cornelia de Lange syndrome 3. Last evaluated: 2022-10-18. Review status: criteria provided, single submitter. Criteria: Invitae Variant Classification Sherloc (09022015). Collection method: clinical testing. Allele origin: germline.
Comment: Advanced modeling of protein sequence and biophysical properties (such as structural, functional, and spatial information, amino acid conservation, physicochemical variation, residue mobility, and thermodynamic stability) performed at Invitae indicates that this missense variant is not expected to disrupt SMC3 protein function. This variant has not been reported in the literature in individuals affected with SMC3-related conditions. This variant is not present in population databases (gnomAD no frequency). This sequence change replaces leucine, which is neutral and non-polar, with valine, which is neutral and non-polar, at codon 305 of the SMC3 protein (p.Leu305Val). In summary, the available evidence is currently insufficient to determine the role of this variant in disease. Therefore, it has been classified as a Variant of Uncertain Significance.